The following is an entry in ClinVar:

NM_001378454.1(ALMS1):c.6831C>A (p.Cys2277Ter)

Gene: ALMS1 (ALMS1 centrosome and basal body associated protein; plus strand). Cytogenetic location: 2p13.1.
Variant type: single nucleotide variant.
Coding change: c.6831C>A on transcript NM_001378454.1 (MANE Select); coding-DNA position 6831, C replaced by A.
Protein change: p.Cys2277Ter; replaces cysteine 2277 with a stop codon.
Molecular consequence: nonsense.
Genome position (GRCh38, 1-based): chr2:73,453,358, C>A. VCF-style: chr2-73453358-C-A. GRCh37 (hg19) VCF-style: chr2-73680485-C-A.
Other names: c.6834C>A, p.Cys2278Ter (NM_015120.4); short protein forms C2277*, C2278*.
Identifiers: ClinVar variation 1073857 (VCV001073857.11), dbSNP rs761713440, ClinGen allele CA1714131.

ClinVar aggregate classification (germline): Pathogenic/Likely pathogenic. Review status: criteria provided, multiple submitters, no conflicts (2 of 4 stars). 4 submissions from 4 submitters: Pathogenic (3); Likely pathogenic (1). Last evaluated 2026-01-20.

Conditions:
Alstrom syndrome (ALMS). Identifiers: Orphanet 64, MedGen C0268425, MONDO:0008763, OMIM 203800.

Allele frequency attached by ClinVar (database versions not stated): TOPMed below 0.00001; ExAC 0.00001; gnomAD exomes 0.00001.
gnomAD v4.1: 2 of 1,613,800 alleles (0.00012%); highest among the groups gnomAD compares: Admixed American, 0.0033%; no homozygotes.

Submissions (4):

GeneDx
Classification: Pathogenic. Last evaluated: 2026-01-20. Review status: criteria provided, single submitter. Criteria: GeneDx Variant Classification Process June 2021. Collection method: clinical testing. Allele origin: germline.
Comment: Nonsense variant predicted to result in protein truncation or nonsense mediated decay in a gene for which loss of function is a known mechanism of disease; Not observed at significant frequency in large population cohorts (gnomAD); Has not been previously published as pathogenic or benign to our knowledge

Natera, Inc.
Classification: Pathogenic for Alstrom syndrome. Last evaluated: 2025-12-11. Review status: criteria provided, single submitter. Criteria: Natera Variant Classification Schema (03/2026). Collection method: clinical testing. Allele origin: germline.
Comment: The c.6834C>A variant in ALMS1 is a nonsense variant predicted to introduce a stop codon at amino acid 2278. This variant is expected to result in nonsense mediated decay, truncation, or a dysfunctional protein product. This variant is rare in the general population with a frequency below the threshold expected for the associated phenotype(s). This variant has been observed in one or more individuals affected with the associated recessive disease, as either homozygous or compound heterozygous with a second variant (PMID: 34828430). Given the available evidence, this variant is classified as Pathogenic.

Labcorp Genetics (formerly Invitae), Labcorp
Classification: Pathogenic for Alstrom syndrome. Last evaluated: 2025-07-02. Review status: criteria provided, single submitter. Criteria: Invitae Variant Classification Sherloc (09022015). Collection method: clinical testing. Allele origin: germline.
Comment: This sequence change creates a premature translational stop signal (p.Cys2278*) in the ALMS1 gene. It is expected to result in an absent or disrupted protein product. Loss-of-function variants in ALMS1 are known to be pathogenic (PMID: 17594715). This variant is present in population databases (rs761713440, gnomAD 0.006%). This variant has not been reported in the literature in individuals affected with ALMS1-related conditions. ClinVar contains an entry for this variant (Variation ID: 1073857). For these reasons, this variant has been classified as Pathogenic.

Fulgent Genetics
Classification: Likely pathogenic for Alstrom syndrome. Last evaluated: 2022-05-05. Review status: criteria provided, single submitter. Criteria: ACMG Guidelines, 2015. Collection method: clinical testing. Allele origin: unknown.

Literature cited by the submitters: PubMed 34828430 (cited by Natera, Inc.); PubMed 17594715 (cited by Labcorp Genetics (formerly Invitae), Labcorp).